The following is an entry in ClinVar:

ClinVar aggregate classification (germline): Conflicting classifications of pathogenicity. Review status: criteria provided, conflicting classifications (1 of 4 stars). 2 submissions from 2 submitters: Likely pathogenic (1); Uncertain significance (1). Last evaluated 2023-05-22.

Conditions:
Aicardi-Goutieres syndrome 5. Identifiers: Orphanet 51, MedGen C2749659, MONDO:0013059, OMIM 612952.

Allele frequency attached by ClinVar (database versions not stated): gnomAD exomes below 0.00001; TOPMed below 0.00001.
gnomAD v4.1: 2 of 1,610,440 alleles (0.00012%); highest among the groups gnomAD compares: Non-Finnish European, 0.000085%; no homozygotes.

Submissions (2):

Labcorp Genetics (formerly Invitae), Labcorp
Classification: Uncertain significance for Aicardi-Goutieres syndrome 5. Last evaluated: 2023-05-22. Review status: criteria provided, single submitter. Criteria: Invitae Variant Classification Sherloc (09022015). Collection method: clinical testing. Allele origin: germline.
Comment: In summary, the available evidence is currently insufficient to determine the role of this variant in disease. Therefore, it has been classified as a Variant of Uncertain Significance. Advanced modeling of protein sequence and biophysical properties (such as structural, functional, and spatial information, amino acid conservation, physicochemical variation, residue mobility, and thermodynamic stability) performed at Invitae indicates that this missense variant is not expected to disrupt SAMHD1 protein function. ClinVar contains an entry for this variant (Variation ID: 2120745). This variant has not been reported in the literature in individuals affected with SAMHD1-related conditions. This variant is not present in population databases (gnomAD no frequency). This sequence change replaces histidine, which is basic and polar, with tyrosine, which is neutral and polar, at codon 206 of the SAMHD1 protein (p.His206Tyr).

Clinical Genetics Service, Universitary Hospital 12 de Octubre
Classification: Likely pathogenic for Aicardi-Goutieres syndrome 5. Review status: criteria provided, single submitter. Criteria: ACMG Guidelines, 2015. Collection method: clinical testing. Allele origin: germline. Affected: yes.

NM_015474.4(SAMHD1):c.616C>T (p.His206Tyr)

Gene: SAMHD1 (SAM and HD domain containing deoxynucleoside triphosphate triphosphohydrolase 1; minus strand). Cytogenetic location: 20q11.23.
Variant type: single nucleotide variant.
Coding change: c.616C>T on transcript NM_015474.4 (MANE Select); coding-DNA position 616, C replaced by T.
Protein change: p.His206Tyr; replaces histidine 206 with tyrosine.
Molecular consequence: missense variant.
Genome position (GRCh38, 1-based): chr20:36,930,769, G>A on the plus strand (C>T on the coding strand, the complement: SAMHD1 is on the minus strand). VCF-style: chr20-36930769-G-A. GRCh37 (hg19) VCF-style: chr20-35559172-G-A.
Other names: c.616C>T, p.His206Tyr (NM_001363729.2, NM_001363733.2); short protein forms H206Y.
Identifiers: ClinVar variation 2120745 (VCV002120745.3), dbSNP rs2063563547, ClinGen allele CA408822001.
Genomic context (GRCh38, chr20:36,930,769, plus strand): 5'-TAACATATGTTATGATTTTACATAACAACTTTGTCTCTTTGTACAGCTTACCGAGATCAT[G>A]ACAAAGTCCAGCAATCTGAACACAGAGAACATCTCGTTCACTTATCTGCAGCTCTGGTTG-3'
Protein context (NP_056289.2, residues 196-216): VLCVQIAGLC[His206Tyr]DLGHGPFSHM